The following is an entry in ClinVar:

NM_002529.4(NTRK1):c.1282G>A (p.Ala428Thr)

Gene: NTRK1 (neurotrophic receptor tyrosine kinase 1; plus strand). Cytogenetic location: 1q23.1.
Variant type: single nucleotide variant.
Coding change: c.1282G>A on transcript NM_002529.4 (MANE Select); coding-DNA position 1282, G replaced by A.
Protein change: p.Ala428Thr; replaces alanine 428 with threonine.
Molecular consequence: missense variant.
Genome position (GRCh38, 1-based): chr1:156,874,936, G>A. VCF-style: chr1-156874936-G-A. GRCh37 (hg19) VCF-style: chr1-156844728-G-A.
Other names: c.1174G>A, p.Ala392Thr (NM_001007792.1); c.1264G>A, p.Ala422Thr (NM_001012331.2); short protein forms A422T, A428T, A392T.
Identifiers: ClinVar variation 4747085 (VCV004747085.1).

ClinVar aggregate classification (germline): Uncertain significance (1 of 4 stars; one submission).

Conditions:
Hereditary insensitivity to pain with anhidrosis (CIPA). Also called: NEUROPATHY, CONGENITAL SENSORY, WITH ANHIDROSIS; hereditary sensory and autonomic neuropathy type 4; NTRK1 Congenital Insensitivity to Pain with Anhidrosis; INSENSITIVITY TO PAIN, CONGENITAL, WITH ANHIDROSIS; FAMILIAL DYSAUTONOMIA, TYPE II; HSAN Type IV. Identifiers: Orphanet 642, MedGen C0020074, MONDO:0009746, OMIM 256800.

Submission:

Labcorp Genetics (formerly Invitae), Labcorp
Classification: Uncertain significance for Hereditary insensitivity to pain with anhidrosis. Last evaluated: 2025-07-09. Review status: criteria provided, single submitter. Criteria: Invitae Variant Classification Sherloc (09022015). Collection method: clinical testing. Allele origin: germline.
Comment: This sequence change replaces alanine, which is neutral and non-polar, with threonine, which is neutral and polar, at codon 422 of the NTRK1 protein (p.Ala422Thr). This variant is not present in population databases (gnomAD no frequency). This variant has not been reported in the literature in individuals affected with NTRK1-related conditions. Invitae Evidence Modeling of protein sequence and biophysical properties (such as structural, functional, and spatial information, amino acid conservation, physicochemical variation, residue mobility, and thermodynamic stability) indicates that this missense variant is not expected to disrupt NTRK1 protein function with a negative predictive value of 95%. In summary, the available evidence is currently insufficient to determine the role of this variant in disease. Therefore, it has been classified as a Variant of Uncertain Significance.